The following is an entry in ClinVar:

ClinVar aggregate classification (germline): Conflicting classifications of pathogenicity. Review status: criteria provided, conflicting classifications (1 of 4 stars). 11 submissions from 10 submitters: Uncertain significance (3); Likely benign (5). 3 of the submissions do not count toward it. Last evaluated 2026-01-28.

Conditions:
TRIM32-related disorder. Also called: TRIM32-related condition.
Bardet-Biedl syndrome (BBS). Identifiers: Orphanet 110, MedGen C0752166, MONDO:0015229.
Sarcotubular myopathy (LGMDR8). Also called: Autosomal recessive limb-girdle muscular dystrophy type 2H; MUSCULAR DYSTROPHY, LIMB-GIRDLE, AUTOSOMAL RECESSIVE 8; Limb-girdle muscular dystrophy, type 2H; Hutterite type of muscular dystrophy. Identifiers: Orphanet 1878, MedGen C0270968, MONDO:0009683, OMIM 254110.
Bardet-Biedl syndrome 11 (BBS11). Identifiers: Orphanet 110, MedGen C1859569, MONDO:0014439, OMIM 615988.

Allele frequency attached by ClinVar (database versions not stated): 1000 Genomes Project 30x 0.00016; 1000 Genomes Project 0.00020; ExAC 0.00024; gnomAD exomes 0.00025 and 0.00036; gnomAD 0.00048 and 0.00051; TOPMed 0.00051; ESP Exome Variant Server 0.00077.
gnomAD v4.1: 592 of 1,614,062 alleles (0.037%); highest among the groups gnomAD compares: African/African-American, 0.11%; 1 homozygote.

Submissions (11):

Labcorp Genetics (formerly Invitae), Labcorp
Classification: Likely benign for Bardet-Biedl syndrome. Last evaluated: 2026-01-28. Review status: criteria provided, single submitter. Criteria: Invitae Variant Classification Sherloc (09022015). Collection method: clinical testing. Allele origin: germline.

Mayo Clinic Laboratories, Mayo Clinic
Classification: Likely benign. Last evaluated: 2025-10-30. Review status: criteria provided, single submitter. Criteria: ACMG Guidelines, 2015. Collection method: clinical testing. Allele origin: germline. Observed: 2 variant alleles.
Comment: BP4, BP7

Blueprint Genetics
Classification: Likely benign. Last evaluated: 2024-10-30. Review status: criteria provided, single submitter. Criteria: ACMG Guidelines, 2015. Collection method: clinical testing. Allele origin: germline.

CeGaT Center for Human Genetics Tuebingen
Classification: Likely benign. Last evaluated: 2022-08-01. Review status: criteria provided, single submitter. Criteria: CeGaT Center For Human Genetics Tuebingen Variant Classification Criteria Version 2. Collection method: clinical testing. Allele origin: germline. Affected: yes. Observed: 2 variant alleles.
Comment: TRIM32: BP4, BP7

GeneDx
Classification: Likely benign. Last evaluated: 2018-12-20. Review status: criteria provided, single submitter. Criteria: GeneDx Variant Classification Process June 2021. Collection method: clinical testing. Allele origin: germline. Affected: yes.

Illumina Laboratory Services, Illumina
Classification: Uncertain significance for Bardet-Biedl syndrome 11. Last evaluated: 2018-01-12. Review status: criteria provided, single submitter. Criteria: ICSL Variant Classification Criteria 13 December 2019. Collection method: clinical testing. Allele origin: germline.

Illumina Laboratory Services, Illumina
Classification: Uncertain significance for Sarcotubular myopathy. Last evaluated: 2018-01-12. Review status: criteria provided, single submitter. Criteria: ICSL Variant Classification Criteria 13 December 2019. Collection method: clinical testing. Allele origin: germline.

Eurofins Ntd Llc (ga)
Classification: Uncertain significance. Last evaluated: 2017-11-27. Review status: criteria provided, single submitter. Criteria: EGL Classification Definitions 2015. Collection method: clinical testing. Allele origin: germline. Observed: 5 variant alleles, 5 heterozygotes.

PreventionGenetics, part of Exact Sciences
Classification: Likely benign for TRIM32-related condition. Last evaluated: 2020-06-30. Review status: no assertion criteria provided. Collection method: clinical testing. Allele origin: germline. Not counted in ClinVar's aggregate classification.
Comment: This variant is classified as likely benign based on ACMG/AMP sequence variant interpretation guidelines (Richards et al. 2015 PMID: 25741868, with internal and published modifications).

Clinical Genetics DNA and cytogenetics Diagnostics Lab, Erasmus MC, Erasmus Medical Center
Classification: Likely benign. Review status: no assertion criteria provided. Collection method: clinical testing. Allele origin: germline. Affected: yes. Study: VKGL Data-share Consensus. Not counted in ClinVar's aggregate classification.

Genome Diagnostics Laboratory, Amsterdam University Medical Center
Classification: Likely benign. Review status: no assertion criteria provided. Collection method: clinical testing. Allele origin: germline. Affected: yes. Study: VKGL Data-share Consensus. Not counted in ClinVar's aggregate classification.

NM_012210.4(TRIM32):c.276C>T (p.Ser92=)

Genes: ASTN2 (astrotactin 2; minus strand), TRIM32 (tripartite motif containing 32; plus strand). Cytogenetic location: 9q33.1.
Variant type: single nucleotide variant.
Coding change: c.276C>T on transcript NM_012210.4 (MANE Select); coding-DNA position 276, C replaced by T.
Protein change: p.Ser92=; no amino-acid change (serine 92 retained).
Molecular consequence: synonymous variant. On other transcripts: intron variant (3).
Genome position (GRCh38, 1-based): chr9:116,698,018, C>T. VCF-style: chr9-116698018-C-T. GRCh37 (hg19) VCF-style: chr9-119460297-C-T.
Other names: p.Ser92=; c.276C>T, p.Ser92= (NM_001099679.2, NM_001379048.1, NM_001379049.1 and 1 more transcripts); c.2653+27753G>A (NM_014010.5); c.2794+27753G>A (NM_001365069.1); c.2806+27753G>A (NM_001365068.1).
Identifiers: ClinVar variation 95497 (VCV000095497.62), dbSNP rs140589523, ClinGen allele CA223035.